The following is an entry in ClinVar:

NM_000719.7(CACNA1C):c.3940T>C (p.Ser1314Pro)

Gene: CACNA1C (calcium voltage-gated channel subunit alpha1 C; plus strand). Cytogenetic location: 12p13.33.
Variant type: single nucleotide variant.
Coding change: c.3940T>C on transcript NM_000719.7 (MANE Select); coding-DNA position 3940, T replaced by C.
Protein change: p.Ser1314Pro; replaces serine 1314 with proline.
Molecular consequence: missense variant. On other transcripts: intron variant (6).
Genome position (GRCh38, 1-based): chr12:2,648,502, T>C. VCF-style: chr12-2648502-T-C. GRCh37 (hg19) VCF-style: chr12-2757668-T-C.
Other names: c.3940T>C, p.Ser1314Pro (NM_001129833.2, NM_001129834.2, NM_001129835.2 and 8 more transcripts); c.4084T>C, p.Ser1362Pro (NM_001129827.2, NM_199460.4); c.4024T>C, p.Ser1342Pro (NM_001129831.2); c.4000T>C, p.Ser1334Pro (NM_001129832.2); c.3931T>C, p.Ser1311Pro (NM_001129844.2); c.3913-3138T>C (NM_001167625.2, NM_001129837.2, NM_001129838.2 and 1 more transcripts); c.3907-3138T>C (NM_001129839.2); c.3997-3138T>C (NM_001129836.2); short protein forms S1311P, S1342P, S1362P, S1314P, S1334P.
Identifiers: ClinVar variation 4613768 (VCV004613768.1).
Genomic context (GRCh38, chr12:2,648,502, plus strand): 5'-TTACAGCTTATCTCTATCTGCCTTTCTTTAAAGCCAGCTGAACATACCCAATGCTCTCCC[T>C]CTATGGTAAGACCAACCCTCCCGACCATGCTCCCGGCTTCCGTGTCCCCCTCTAACACCC-3'
Protein context (NP_000710.5, residues 1304-1324): NPAEHTQCSP[Ser1314Pro]MNAEENSRIS

ClinVar aggregate classification (germline): Uncertain significance (1 of 4 stars; one submission).

Conditions:
Cardiovascular phenotype. Identifiers: MedGen CN230736.

gnomAD v4.1: 1 of 1,613,876 alleles (0.000062%); highest among the groups gnomAD compares: Non-Finnish European, 0.000085%; no homozygotes.

Submission:

Ambry Genetics
Classification: Uncertain significance for Cardiovascular phenotype. Last evaluated: 2025-12-11. Review status: criteria provided, single submitter. Criteria: Ambry Variant Classification Scheme 2023. Collection method: clinical testing. Allele origin: germline.
Comment: The p.S1314P variant (also known as c.3940T>C), located in coding exon 31 of the CACNA1C gene, results from a T to C substitution at nucleotide position 3940. The serine at codon 1314 is replaced by proline, an amino acid with similar properties. This amino acid position is not well conserved in available vertebrate species. In addition, the in silico prediction for this alteration is inconclusive. Based on the available evidence, the clinical significance of this variant remains unclear.